The following is an entry in ClinVar:

NM_001783.4(CD79A):c.395C>T (p.Pro132Leu)

Genes: CD79A (CD79a molecule; plus strand), RPS19-CD79A (RPS19-CD79A readthrough; plus strand). Cytogenetic location: 19q13.2.
Variant type: single nucleotide variant.
Coding change: c.395C>T on transcript NM_001783.4 (MANE Select); coding-DNA position 395, C replaced by T.
Protein change: p.Pro132Leu; replaces proline 132 with leucine.
Molecular consequence: missense variant.
Genome position (GRCh38, 1-based): chr19:41,879,550, C>T. VCF-style: chr19-41879550-C-T. GRCh37 (hg19) VCF-style: chr19-42383620-C-T.
Other names: c.281C>T, p.Pro94Leu (NM_021601.4); c.395C>T (NM_001783.3); short protein forms P94L, P132L.
Identifiers: ClinVar variation 1498082 (VCV001498082.6), dbSNP rs201206281, ClinGen allele CA9465611.
Genomic context (GRCh38, chr19:41,879,550, plus strand): 5'-AGGGCAAGAGGGGCCAGGGCTCTGAGCCATACTACCTCCTTGCAGAGCCGCCCCCCAGGC[C>T]CTTCCTGGACATGGGGGAGGGCACCAAGAACCGAATCATCACAGCCGAGGGGATCATCCT-3'
Protein context (NP_001774.1, residues 122-142): YLRVRQPPPR[Pro132Leu]FLDMGEGTKN

ClinVar aggregate classification (germline): Uncertain significance. Review status: criteria provided, multiple submitters, no conflicts (2 of 4 stars). 2 submissions from 2 submitters: Uncertain significance (2). Last evaluated 2025-10-15.

Conditions:
Agammaglobulinemia 3, autosomal recessive (AGM3). Also called: AGAMMAGLOBULINEMIA 3; AGAMMAGLOBULINEMIA, AUTOSOMAL RECESSIVE, DUE TO CD79A DEFECT. Identifiers: MedGen C3150751, MONDO:0013288, OMIM 613501.

Allele frequency attached by ClinVar (database versions not stated): gnomAD exomes 0.00001; ExAC 0.00003; gnomAD 0.00005 and 0.00006; TOPMed 0.00012; 1000 Genomes Project 0.00040; 1000 Genomes Project 30x 0.00047.

Submissions (2):

Ambry Genetics
Classification: Uncertain significance. Last evaluated: 2025-10-15. Review status: criteria provided, single submitter. Criteria: Ambry Variant Classification Scheme 2023. Collection method: clinical testing. Allele origin: germline.

Labcorp Genetics (formerly Invitae), Labcorp
Classification: Uncertain significance for Agammaglobulinemia 3, autosomal recessive. Last evaluated: 2022-08-19. Review status: criteria provided, single submitter. Criteria: Invitae Variant Classification Sherloc (09022015). Collection method: clinical testing. Allele origin: germline.
Comment: This sequence change replaces proline, which is neutral and non-polar, with leucine, which is neutral and non-polar, at codon 132 of the CD79A protein (p.Pro132Leu). This variant is present in population databases (rs201206281, gnomAD 0.01%). This variant has not been reported in the literature in individuals affected with CD79A-related conditions. ClinVar contains an entry for this variant (Variation ID: 1498082). Algorithms developed to predict the effect of missense changes on protein structure and function are either unavailable or do not agree on the potential impact of this missense change (SIFT: "Deleterious"; PolyPhen-2: "Probably Damaging"; Align-GVGD: "Class C0"). In summary, the available evidence is currently insufficient to determine the role of this variant in disease. Therefore, it has been classified as a Variant of Uncertain Significance.